The following is an entry in ClinVar:

NR_002196.3(H19):n.1450C>T

Genes: MRPL23 (mitochondrial ribosomal protein L23; plus strand), H19 (H19 imprinted maternally expressed transcript; minus strand). Cytogenetic location: 11p15.5.
Variant type: single nucleotide variant.
Molecular consequence: non-coding transcript variant (on NR_002196.3). On other transcripts: intron variant (1).
Genome position: GRCh38 VCF-style: chr11-1996297-G-A. GRCh37 (hg19) VCF-style: chr11-2017527-G-A.
Other names: c.498-15244G>A (NM_001400176.1).
Identifiers: ClinVar variation 3042938 (VCV003042938.2), dbSNP rs146878777, ClinGen allele CA5817379.
Genomic context (GRCh38, chr11:1,996,297, plus strand): 5'-GCGGTCTGGGCAGGGCCGCGTCCTGACGCAGGGAGGGCAGACACGCTCACCAGGAAGGCC[G>A]GACGCGCCTCCTCTGTCCTCGCCGTCACACCGGACCATGTCATGTCCTGCTTGTCACGTC-3'

ClinVar aggregate classification (germline): Likely benign (0 of 4 stars; one submission).

Conditions:
H19-related disorder. Also called: H19-related condition.

Allele frequency attached by ClinVar (database versions not stated): ExAC 0.00022; 1000 Genomes Project 0.00060; ESP Exome Variant Server 0.00122.

Submission:

PreventionGenetics, part of Exact Sciences
Classification: Likely benign for H19-related condition. Last evaluated: 2019-06-19. Review status: no assertion criteria provided. Collection method: clinical testing. Allele origin: germline.
Comment: This variant is classified as likely benign based on ACMG/AMP sequence variant interpretation guidelines (Richards et al. 2015 PMID: 25741868, with internal and published modifications).